The following is an entry in ClinVar:

ClinVar aggregate classification (germline): Uncertain significance. Review status: criteria provided, multiple submitters, no conflicts (2 of 4 stars). 2 submissions from 2 submitters: Uncertain significance (2). Last evaluated 2022-07-07.

Allele frequency attached by ClinVar (database versions not stated): TOPMed below 0.00001.

Submissions (2):

GeneDx
Classification: Uncertain significance. Last evaluated: 2022-07-07. Review status: criteria provided, single submitter. Criteria: GeneDx Variant Classification Process June 2021. Collection method: clinical testing. Allele origin: germline. Affected: yes.
Comment: Not observed at significant frequency in large population cohorts (gnomAD); In silico analysis supports that this missense variant does not alter protein structure/function; Has not been previously published as pathogenic or benign to our knowledge

Eurofins Ntd Llc (ga)
Classification: Uncertain significance. Last evaluated: 2015-08-19. Review status: criteria provided, single submitter. Criteria: EGL Classification Definitions 2015. Collection method: clinical testing. Allele origin: germline.

NM_000168.6(GLI3):c.4349T>G (p.Phe1450Cys)

Gene: GLI3 (GLI family zinc finger 3; minus strand). Cytogenetic location: 7p14.1.
Variant type: single nucleotide variant.
Coding change: c.4349T>G on transcript NM_000168.6 (MANE Select); coding-DNA position 4349, T replaced by G.
Protein change: p.Phe1450Cys; replaces phenylalanine 1450 with cysteine.
Molecular consequence: missense variant.
Genome position (GRCh38, 1-based): chr7:41,964,724, A>C on the plus strand (T>G on the coding strand, the complement: GLI3 is on the minus strand). VCF-style: chr7-41964724-A-C. GRCh37 (hg19) VCF-style: chr7-42004322-A-C.
Other names: short protein forms F1450C.
Identifiers: ClinVar variation 282092 (VCV000282092.6), dbSNP rs886042309, ClinGen allele CA10604067.
Genomic context (GRCh38, chr7:41,964,724, plus strand): 5'-TGTAGCAGGCAGCTGGCGTCTGAAATAGAGAATGAACCAGCTTTCGTGTCTTGCTGACTG[A>C]AGCCCACGGTTTGGTCATAGAACTGACCAGAGTAATTCTGCAGATTAGAGCACAGCGGAT-3'
Protein context (NP_000159.3, residues 1440-1460): SGQFYDQTVG[Phe1450Cys]SQQDTKAGSF